The following is an entry in ClinVar:

ClinVar aggregate classification (germline): Uncertain significance. Review status: reviewed by expert panel (3 of 4 stars). 3 submissions from 3 submitters: Uncertain significance (1). 2 of the submissions do not count toward it. Last evaluated 2024-09-16.

Conditions:
Hereditary thrombocytopenia and hematologic cancer predisposition syndrome. Identifiers: Orphanet 71290, MedGen CN281654, MONDO:0011071.
Inborn genetic diseases. Identifiers: MedGen C0950123, MeSH D030342.

Submissions (3):

ClinGen Myeloid Malignancy Variant Curation Expert Panel
Classification: Uncertain significance for Hereditary thrombocytopenia and hematologic cancer predisposition syndrome. Last evaluated: 2024-09-16. Review status: reviewed by expert panel. Criteria: ClinGen MyeloMalig ACMG Specifications v2. Collection method: curation. Allele origin: germline. Inheritance: Autosomal dominant inheritance.
Comment: NM_001754.5(RUNX1):c.769A>G (p.Thr257Ala) is a missense variant which has a REVEL score < 0.50 (0.317), and a SpliceAI score ≤ 0.20 (0.02) (BP4). This variant is completely absent from all population databases with at least 20x coverage for RUNX1 (PM2_Supporting). In summary, the clinical significance of this variant is uncertain. ACMG/AMP criteria applied, as specified by the Myeloid Malignancy Variant Curation Expert Panel for RUNX1: BP4, PM2_supporting.

Ambry Genetics
Classification: Uncertain significance for Inborn genetic diseases. Last evaluated: 2026-07-06. Review status: criteria provided, single submitter. Criteria: Ambry Variant Classification Scheme 2023. Collection method: clinical testing. Allele origin: germline. Not counted in ClinVar's aggregate classification.
Comment: The p.T257A variant (also known as c.769A>G), located in coding exon 6 of the RUNX1 gene, results from an A to G substitution at nucleotide position 769. The threonine at codon 257 is replaced by alanine, an amino acid with similar properties. This amino acid position is conserved. In addition, the in silico prediction for this alteration is inconclusive. Based on the available evidence, the clinical significance of this variant remains unclear.

GeneDx
Classification: Uncertain significance. Last evaluated: 2023-04-03. Review status: criteria provided, single submitter. Criteria: GeneDx Variant Classification Process June 2021. Collection method: clinical testing. Allele origin: germline. Affected: yes. Not counted in ClinVar's aggregate classification.
Comment: Not observed at significant frequency in large population cohorts (gnomAD); In silico analysis supports that this missense variant does not alter protein structure/function; Has not been previously published as pathogenic or benign to our knowledge

NM_001754.5(RUNX1):c.769A>G (p.Thr257Ala)

Gene: RUNX1 (RUNX family transcription factor 1; minus strand). Cytogenetic location: 21q22.12.
Variant type: single nucleotide variant.
Coding change: c.769A>G on transcript NM_001754.5 (MANE Select); coding-DNA position 769, A replaced by G.
Protein change: p.Thr257Ala; replaces threonine 257 with alanine.
Molecular consequence: missense variant.
Genome position (GRCh38, 1-based): chr21:34,834,446, T>C on the plus strand (A>G on the coding strand, the complement: RUNX1 is on the minus strand). VCF-style: chr21-34834446-T-C. GRCh37 (hg19) VCF-style: chr21-36206743-T-C.
Other names: NM_001754.5(RUNX1):c.769A>G; p.Thr257Ala; c.688A>G, p.Thr230Ala (NM_001001890.3, NM_001122607.2); short protein forms T230A, T257A.
Identifiers: ClinVar variation 2662455 (VCV002662455.3), dbSNP rs2146074892, ClinGen allele CA410206729.